The following is an entry in ClinVar:

NM_173628.4(DNAH17):c.9046A>G (p.Thr3016Ala)

Gene: DNAH17 (dynein axonemal heavy chain 17; minus strand). Cytogenetic location: 17q25.3.
Variant type: single nucleotide variant.
Coding change: c.9046A>G on transcript NM_173628.4 (MANE Select); coding-DNA position 9046, A replaced by G.
Protein change: p.Thr3016Ala; replaces threonine 3016 with alanine.
Molecular consequence: missense variant.
Genome position (GRCh38, 1-based): chr17:78,462,972, T>C on the plus strand (A>G on the coding strand, the complement: DNAH17 is on the minus strand). VCF-style: chr17-78462972-T-C. GRCh37 (hg19) VCF-style: chr17-76459054-T-C.
Other names: short protein forms T3016A.
Identifiers: ClinVar variation 2394541 (VCV002394541.26), dbSNP rs145505271, ClinGen allele CA8801525.

ClinVar aggregate classification (germline): Conflicting classifications of pathogenicity. Review status: criteria provided, conflicting classifications (1 of 4 stars). 2 submissions from 2 submitters: Uncertain significance (1); Likely benign (1). Last evaluated 2025-11-03.

Conditions:
Inborn genetic diseases. Identifiers: MedGen C0950123, MeSH D030342.

Allele frequency attached by ClinVar (database versions not stated): ESP Exome Variant Server 0.00008; TOPMed 0.00009; gnomAD 0.00012; gnomAD exomes 0.00013; ExAC 0.00018.
gnomAD v4.1: 210 of 1,614,008 alleles (0.013%); highest among the groups gnomAD compares: South Asian, 0.037%; 1 homozygote.

Submissions (2):

Ambry Genetics
Classification: Uncertain significance for Inborn genetic diseases. Last evaluated: 2025-11-03. Review status: criteria provided, single submitter. Criteria: Ambry Variant Classification Scheme 2023. Collection method: clinical testing. Allele origin: germline.

CeGaT Center for Human Genetics Tuebingen
Classification: Likely benign. Last evaluated: 2022-09-01. Review status: criteria provided, single submitter. Criteria: CeGaT Center For Human Genetics Tuebingen Variant Classification Criteria Version 2. Collection method: clinical testing. Allele origin: germline. Affected: yes. Observed: 1 variant allele.
Comment: DNAH17: BS2